The following is an entry in ClinVar:

ClinVar aggregate classification (germline): Uncertain significance (1 of 4 stars; one submission).

Conditions:
Hereditary cancer-predisposing syndrome. Also called: Neoplastic Syndromes, Hereditary; Tumor predisposition; Hereditary neoplastic syndrome; Hereditary Cancer Syndrome. Identifiers: Orphanet 140162, MedGen C0027672, MeSH D009386, MONDO:0015356.
Cardiovascular phenotype. Identifiers: MedGen CN230736.

Submission:

Ambry Genetics
Classification: Uncertain significance for Cardiovascular phenotype; Hereditary cancer-predisposing syndrome. Last evaluated: 2019-09-03. Review status: criteria provided, single submitter. Criteria: Ambry Variant Classification Scheme 2023. Collection method: clinical testing. Allele origin: germline.
Comment: The p.M2010I variant (also known as c.6030G>A), located in coding exon 40 of the NF1 gene, results from a G to A substitution at nucleotide position 6030. The methionine at codon 2010 is replaced by isoleucine, an amino acid with highly similar properties. This amino acid position is highly conserved in available vertebrate species. In addition, this alteration is predicted to be deleterious by in silico analysis. Since supporting evidence is limited at this time, the clinical significance of this alteration remains unclear.

NM_001042492.3(NF1):c.6093G>A (p.Met2031Ile)

Gene: NF1 (neurofibromin 1; plus strand). Cytogenetic location: 17q11.2.
Variant type: single nucleotide variant.
Coding change: c.6093G>A on transcript NM_001042492.3 (MANE Select); coding-DNA position 6093, G replaced by A.
Protein change: p.Met2031Ile; replaces methionine 2031 with isoleucine.
Molecular consequence: missense variant.
Genome position (GRCh38, 1-based): chr17:31,336,419, G>A. VCF-style: chr17-31336419-G-A. GRCh37 (hg19) VCF-style: chr17-29663437-G-A.
Other names: c.6030G>A, p.Met2010Ile (NM_000267.4); short protein forms M2031I, M2010I.
Identifiers: ClinVar variation 826147 (VCV000826147.4), dbSNP rs1597842296, ClinGen allele CA399011318.